The following is an entry in ClinVar:

ClinVar aggregate classification (germline): Uncertain significance (1 of 4 stars; one submission).

Allele frequency attached by ClinVar (database versions not stated): gnomAD exomes 0.00001.
gnomAD v4.1: 18 of 1,614,262 alleles (0.0011%); highest among the groups gnomAD compares: Non-Finnish European, 0.0015%; no homozygotes.

Submission:

GeneDx
Classification: Uncertain significance. Last evaluated: 2021-04-20. Review status: criteria provided, single submitter. Criteria: GeneDx Variant Classification Process June 2021. Collection method: clinical testing. Allele origin: germline. Affected: yes.
Comment: Not observed in large population cohorts (Lek et al., 2016); In silico analysis supports that this missense variant has a deleterious effect on protein structure/function; Has not been previously published as pathogenic or benign to our knowledge

NM_001478.5(B4GALNT1):c.1031T>C (p.Val344Ala)

Gene: B4GALNT1 (beta-1,4-N-acetyl-galactosaminyltransferase 1; minus strand). Cytogenetic location: 12q13.3.
Variant type: single nucleotide variant.
Coding change: c.1031T>C on transcript NM_001478.5 (MANE Select); coding-DNA position 1031, T replaced by C.
Protein change: p.Val344Ala; replaces valine 344 with alanine.
Molecular consequence: missense variant.
Genome position (GRCh38, 1-based): chr12:57,628,234, A>G on the plus strand (T>C on the coding strand, the complement: B4GALNT1 is on the minus strand). VCF-style: chr12-57628234-A-G. GRCh37 (hg19) VCF-style: chr12-58022017-A-G.
Other names: c.866T>C, p.Val289Ala (NM_001276468.2); short protein forms V289A, V344A.
Identifiers: ClinVar variation 1321565 (VCV001321565.2), dbSNP rs2140244660, ClinGen allele CA385496001.
Genomic context (GRCh38, chr12:57,628,234, plus strand): 5'-CGCGCCGTGAAGACGAAGTCGTCGTCCACCCACAGCACGTACTTGGTGGTTACTTGAGAC[A>G]CGGCCAGGTTCCGGCCTGCGAACCAGCCCTGGCAGAAAGGTGTGTGTGGTTGGGGAGGCT-3'
Protein context (NP_001469.1, residues 334-354): KGWFAGRNLA[Val344Ala]SQVTTKYVLW